The following is an entry in ClinVar:

NM_000350.3(ABCA4):c.3064G>T (p.Glu1022Ter)

Gene: ABCA4 (ATP binding cassette subfamily A member 4; minus strand). Cytogenetic location: 1p22.1.
Variant type: single nucleotide variant.
Coding change: c.3064G>T on transcript NM_000350.3 (MANE Select); coding-DNA position 3064, G replaced by T.
Protein change: p.Glu1022Ter; replaces glutamic acid 1022 with a stop codon.
Molecular consequence: nonsense.
Genome position (GRCh38, 1-based): chr1:94,043,462, C>A on the plus strand (G>T on the coding strand, the complement: ABCA4 is on the minus strand). VCF-style: chr1-94043462-C-A. GRCh37 (hg19) VCF-style: chr1-94509018-C-A.
Other names: c.2842G>T, p.Glu948Ter (NM_001425324.1); short protein forms E1022*, E948*.
Identifiers: ClinVar variation 969031 (VCV000969031.7), dbSNP rs61749459, ClinGen allele CA26866445.

ClinVar aggregate classification (germline): Pathogenic (1 of 4 stars; one submission).

Submission:

Labcorp Genetics (formerly Invitae), Labcorp
Classification: Pathogenic. Last evaluated: 2020-11-10. Review status: criteria provided, single submitter. Criteria: Invitae Variant Classification Sherloc (09022015). Collection method: clinical testing. Allele origin: germline.
Comment: This sequence change creates a premature translational stop signal (p.Glu1022*) in the ABCA4 gene. It is expected to result in an absent or disrupted protein product. Loss-of-function variants in ABCA4 are known to be pathogenic (PMID: 10958761, 24938718, 25312043, 26780318). This variant is not present in population databases (ExAC no frequency). This variant has not been reported in the literature in individuals with ABCA4-related conditions. ClinVar contains an entry for this variant (Variation ID: 969031). For these reasons, this variant has been classified as Pathogenic.

Literature cited by the submitters: PubMed 10958761; PubMed 24938718; PubMed 25312043; PubMed 26780318.